The following is an entry in ClinVar:

NM_000551.4(VHL):c.227T>G (p.Phe76Cys)

Gene: VHL (von Hippel-Lindau tumor suppressor; plus strand). Cytogenetic location: 3p25.3.
Variant type: single nucleotide variant.
Coding change: c.227T>G on transcript NM_000551.4 (MANE Select); coding-DNA position 227, T replaced by G.
Protein change: p.Phe76Cys; replaces phenylalanine 76 with cysteine.
Molecular consequence: missense variant.
Genome position (GRCh38, 1-based): chr3:10,142,074, T>G. VCF-style: chr3-10142074-T-G. GRCh37 (hg19) VCF-style: chr3-10183758-T-G.
Other names: c.227T>G, p.Phe76Cys (NM_001354723.2, NM_198156.3); short protein forms F76C.
Identifiers: ClinVar variation 496051 (VCV000496051.14), dbSNP rs730882033, ClinGen allele CA351749240.

ClinVar aggregate classification (germline): Uncertain significance. Review status: criteria provided, multiple submitters, no conflicts (2 of 4 stars). 3 submissions from 3 submitters: Uncertain significance (3). Last evaluated 2025-07-30.

Conditions:
Chuvash polycythemia. Also called: POLYCYTHEMIA, VHL-DEPENDENT. Identifiers: Orphanet 238557, MedGen C1837915, MONDO:0009892, OMIM 263400.
Von Hippel-Lindau syndrome (VHLS). Also called: VHL syndrome; Von Hippel-Lindau; von Hippel–Lindau syndrome. Identifiers: Orphanet 892, MedGen C0019562, MONDO:0008667, OMIM 193300. Disease mechanism: loss of function.
Hereditary cancer-predisposing syndrome. Also called: Tumor predisposition; Hereditary neoplastic syndrome; Neoplastic Syndromes, Hereditary; Hereditary Cancer Syndrome. Identifiers: Orphanet 140162, MedGen C0027672, MeSH D009386, MONDO:0015356.

Allele frequency attached by ClinVar (database versions not stated): gnomAD exomes below 0.00001.
gnomAD v4.1: 1 of 1,607,234 alleles (0.000062%); highest among the groups gnomAD compares: South Asian, 0.0011%; no homozygotes.

Submissions (3):

Ambry Genetics
Classification: Uncertain significance for Hereditary cancer-predisposing syndrome. Last evaluated: 2025-07-30. Review status: criteria provided, single submitter. Criteria: Ambry Variant Classification Scheme 2023. Collection method: clinical testing. Allele origin: germline.
Comment: The p.F76C variant (also known as c.227T>G), located in coding exon 1 of the VHL gene, results from a T to G substitution at nucleotide position 227. The phenylalanine at codon 76 is replaced by cysteine, an amino acid with highly dissimilar properties. This variant was reported in individual(s) with features consistent with von Hippel-Lindau syndrome (Ambry internal data). Other variant(s) at the same codon, p.F76Y (c.227T>A) have been identified in individual(s) with features consistent with von Hippel-Lindau syndrome (Ambry internal data). This variant was determined to be functionally neutral in one saturation genome editing assay (Buckley M et al. Nat Genet, 2024 Jul;56:1446-1455). Based on internal structural analysis, this variant is anticipated to result in a significant decrease in structural stability (Ambry internal data). This amino acid position is highly conserved in available vertebrate species. In addition, this alteration is predicted to be deleterious by in silico analysis. Based on the available evidence, the clinical significance of this variant remains unclear.

Labcorp Genetics (formerly Invitae), Labcorp
Classification: Uncertain significance for Von Hippel-Lindau syndrome; Chuvash polycythemia. Last evaluated: 2021-08-06. Review status: criteria provided, single submitter. Criteria: Invitae Variant Classification Sherloc (09022015). Collection method: clinical testing. Allele origin: germline.
Comment: This sequence change replaces phenylalanine with cysteine at codon 76 of the VHL protein (p.Phe76Cys). The phenylalanine residue is highly conserved and there is a large physicochemical difference between phenylalanine and cysteine. This variant is not present in population databases (ExAC no frequency). This variant has not been reported in the literature in individuals with VHL-related conditions. ClinVar contains an entry for this variant (Variation ID: 496051). Algorithms developed to predict the effect of missense changes on protein structure and function (SIFT, PolyPhen-2, Align-GVGD) all suggest that this variant is likely to be disruptive, but these predictions have not been confirmed by published functional studies and their clinical significance is uncertain. This variant disrupts the p.Phe76 amino acid residue in VHL. Other variant(s) that disrupt this residue have been determined to be pathogenic (PMID: 12114495, 17661816, 20064270, 23632291, 27439424). This suggests that this residue is clinically significant, and that variants that disrupt this residue are likely to be disease-causing. In summary, the available evidence is currently insufficient to determine the role of this variant in disease. Therefore, it has been classified as a Variant of Uncertain Significance.

Women's Health and Genetics/Laboratory Corporation of America, LabCorp
Classification: Uncertain significance. Last evaluated: 2016-10-27. Review status: criteria provided, single submitter. Criteria: LabCorp Variant Classification Summary - May 2015. Collection method: clinical testing. Allele origin: germline.
Comment: Variant summary: The VHL c.227T>C (p.Phe76Cys) variant causes a missense change involving a highly conserved nucleotide with 4/4 in silico tools predicting a deleterious outcome, although these predictions have yet to be functionally assessed. This variant has not been observed in controls (ExAC, 1000 Gs, or ESP), nor has it been, to our knowledge, reported in affected individuals via publications or cited by a reputable databases/clinical. Other alterations of the same codon, F76S, F76I and F76L have been reported in VHL pts. Due to the absence of clinical information and lack of functional studies, the variant has been classified as a "Variant of Uncertain Significance (VUS)," until additional information becomes available.

Literature cited by the submitters: PubMed 38969834 (cited by Ambry Genetics); PubMed 12114495 (cited by Labcorp Genetics (formerly Invitae), Labcorp); PubMed 17661816 (cited by Labcorp Genetics (formerly Invitae), Labcorp); PubMed 20064270 (cited by Labcorp Genetics (formerly Invitae), Labcorp); PubMed 23632291 (cited by Labcorp Genetics (formerly Invitae), Labcorp); PubMed 27439424 (cited by Labcorp Genetics (formerly Invitae), Labcorp).